The following is an entry in ClinVar:

NM_005481.3(MED16):c.1575G>C (p.Arg525=)

Gene: MED16 (mediator complex subunit 16; minus strand). Cytogenetic location: 19p13.3.
Variant type: single nucleotide variant.
Coding change: c.1575G>C on transcript NM_005481.3 (MANE Select); coding-DNA position 1575, G replaced by C.
Protein change: p.Arg525=; no amino-acid change (arginine 525 retained).
Molecular consequence: synonymous variant.
Genome position (GRCh38, 1-based): chr19:875,440, C>G on the plus strand (G>C on the coding strand, the complement: MED16 is on the minus strand). VCF-style: chr19-875440-C-G. GRCh37 (hg19) VCF-style: chr19-875440-C-G.
Identifiers: ClinVar variation 5039456 (VCV005039456.1).
Genomic context (GRCh38, chr19:875,440, plus strand): 5'-GCACACGCGGGTCACCGTGCAGGGCGACAGCTTGCAGAGCGAGGCCTTCATGGCCAGGAT[C>G]CGGGTGGAGAGGACCTGAGGGCAGGAAGCCAGGTCACCCCAAGGGGCCGGAGCAGAGGCG-3'
Protein context (NP_005472.2, residues 515-535): TAALQQVLST[Arg525=]ILAMKASLCK

ClinVar aggregate classification (germline): Likely benign (1 of 4 stars; one submission).

gnomAD v4.1: 179 of 1,602,380 alleles (0.011%); highest among the groups gnomAD compares: Non-Finnish European, 0.015%; no homozygotes.

Submission:

CeGaT Center for Human Genetics Tuebingen
Classification: Likely benign. Last evaluated: 2026-07-01. Review status: criteria provided, single submitter. Criteria: CeGaT Center For Human Genetics Tuebingen Variant Classification Criteria Version 2. Collection method: clinical testing. Allele origin: germline. Affected: yes. Observed: 1 variant allele.
Comment: MED16: BP4, BP7